The following is an entry in ClinVar:

NM_013339.4(ALG6):c.476T>C (p.Ile159Thr)

Gene: ALG6 (ALG6 alpha-1,3-glucosyltransferase; plus strand). Cytogenetic location: 1p31.3.
Variant type: single nucleotide variant.
Coding change: c.476T>C on transcript NM_013339.4 (MANE Select); coding-DNA position 476, T replaced by C.
Protein change: p.Ile159Thr; replaces isoleucine 159 with threonine.
Molecular consequence: missense variant.
Genome position (GRCh38, 1-based): chr1:63,407,108, T>C. VCF-style: chr1-63407108-T-C. GRCh37 (hg19) VCF-style: chr1-63872779-T-C.
Other names: short protein forms I159T.
Identifiers: ClinVar variation 1433521 (VCV001433521.6), dbSNP rs1037253381, ClinGen allele CA23804877.

ClinVar aggregate classification (germline): Uncertain significance. Review status: criteria provided, multiple submitters, no conflicts (2 of 4 stars). 2 submissions from 2 submitters: Uncertain significance (2). Last evaluated 2022-12-09.

Conditions:
ALG6-congenital disorder of glycosylation 1C (CDG1C). Also called: Congenital disorder of glycosylation, type Ic; CARBOHYDRATE-DEFICIENT GLYCOPROTEIN SYNDROME, TYPE I, WITH DEFICIENT GLYCOSYLATION OF DOLICHOL-LINKED OLIGOSACCHARIDE; CARBOHYDRATE-DEFICIENT GLYCOPROTEIN SYNDROME, TYPE V; Congenital disorder of glycosylation type 1C; CDG Ic. Identifiers: Orphanet 79320, MedGen C2930997, MONDO:0011291, OMIM 603147.

Allele frequency attached by ClinVar (database versions not stated): gnomAD exomes below 0.00001; gnomAD 0.00001; TOPMed 0.00001.
gnomAD v4.1: 2 of 1,608,058 alleles (0.00012%); highest among the groups gnomAD compares: South Asian, 0.0011%; no homozygotes.

Submissions (2):

Blueprint Genetics
Classification: Uncertain significance. Last evaluated: 2022-12-09. Review status: criteria provided, single submitter. Criteria: ACMG Guidelines, 2015. Collection method: clinical testing. Allele origin: germline.

Labcorp Genetics (formerly Invitae), Labcorp
Classification: Uncertain significance for ALG6-congenital disorder of glycosylation 1C. Last evaluated: 2022-08-02. Review status: criteria provided, single submitter. Criteria: Invitae Variant Classification Sherloc (09022015). Collection method: clinical testing. Allele origin: germline.
Comment: In summary, the available evidence is currently insufficient to determine the role of this variant in disease. Therefore, it has been classified as a Variant of Uncertain Significance. Algorithms developed to predict the effect of missense changes on protein structure and function (SIFT, PolyPhen-2, Align-GVGD) all suggest that this variant is likely to be disruptive. ClinVar contains an entry for this variant (Variation ID: 1433521). This variant has not been reported in the literature in individuals affected with ALG6-related conditions. This variant is not present in population databases (gnomAD no frequency). This sequence change replaces isoleucine, which is neutral and non-polar, with threonine, which is neutral and polar, at codon 159 of the ALG6 protein (p.Ile159Thr).